The following is an entry in ClinVar:

ClinVar aggregate classification (germline): Benign (1 of 4 stars; one submission).

Conditions:
Autosomal recessive osteopetrosis 5. Identifiers: Orphanet 85179, MedGen C1968603, MONDO:0009817, OMIM 259720.

Allele frequency attached by ClinVar (database versions not stated): gnomAD 0.32581 and 0.33096; 1000 Genomes Project 0.34405; TOPMed 0.34406; 1000 Genomes Project 30x 0.35134.

Submission:

Illumina Laboratory Services, Illumina
Classification: Benign for Autosomal recessive osteopetrosis 5. Last evaluated: 2018-01-12. Review status: criteria provided, single submitter. Criteria: ICSL Variant Classification Criteria 13 December 2019. Collection method: clinical testing. Allele origin: germline.
Comment: This variant was observed in the ICSL laboratory as part of a predisposition screen in an ostensibly healthy population. It had not been previously curated by ICSL or reported in the Human Gene Mutation Database (HGMD: prior to June 1st, 2018), and was therefore a candidate for classification through an automated scoring system. Utilizing variant allele frequency, disease prevalence and penetrance estimates, and inheritance mode, an automated score was calculated to assess if this variant is too frequent to cause the disease. Based on the score and internal cut-off values, a variant classified as benign is not then subjected to further curation. The score for this variant resulted in a classification of benign for this disease.

NM_014028.4(OSTM1):c.*1883T>C

Gene: OSTM1 (osteoclastogenesis associated transmembrane protein 1; minus strand). Cytogenetic location: 6q21.
Variant type: single nucleotide variant.
Coding change: c.*1883T>C on transcript NM_014028.4 (MANE Select); 1883 bases downstream of the stop codon, T replaced by C.
Molecular consequence: 3 prime UTR variant.
Genome position (GRCh38, 1-based): chr6:108,042,902, A>G on the plus strand (T>C on the coding strand, the complement: OSTM1 is on the minus strand). VCF-style: chr6-108042902-A-G. GRCh37 (hg19) VCF-style: chr6-108364106-A-G.
Identifiers: ClinVar variation 354954 (VCV000354954.5), dbSNP rs7662, ClinGen allele CA10622700.